The following is an entry in ClinVar:

NM_002693.3(POLG):c.3202G>A (p.Asp1068Asn)

Gene: POLG (DNA polymerase gamma, catalytic subunit; minus strand). Cytogenetic location: 15q26.1.
Variant type: single nucleotide variant.
Coding change: c.3202G>A on transcript NM_002693.3 (MANE Select); coding-DNA position 3202, G replaced by A.
Protein change: p.Asp1068Asn; replaces aspartic acid 1068 with asparagine.
Molecular consequence: missense variant.
Genome position (GRCh38, 1-based): chr15:89,319,002, C>T on the plus strand (G>A on the coding strand, the complement: POLG is on the minus strand). VCF-style: chr15-89319002-C-T. GRCh37 (hg19) VCF-style: chr15-89862233-C-T.
Other names: c.3202G>A, p.Asp1068Asn (NM_001126131.2); short protein forms D1068N.
Identifiers: ClinVar variation 3308458 (VCV003308458.2).

ClinVar aggregate classification (germline): Uncertain significance. Review status: criteria provided, multiple submitters, no conflicts (2 of 4 stars). 2 submissions from 2 submitters: Uncertain significance (2). Last evaluated 2025-10-19.

Conditions:
Inborn genetic diseases. Identifiers: MedGen C0950123, MeSH D030342.
Progressive sclerosing poliodystrophy (MTDPS4A). Also called: Mitochondrial DNA Depletion Syndrome 4A; ALPERS PROGRESSIVE INFANTILE POLIODYSTROPHY; NEURONAL DEGENERATION OF CHILDHOOD WITH LIVER DISEASE, PROGRESSIVE; Alpers Syndrome; ALPERS DIFFUSE DEGENERATION OF CEREBRAL GRAY MATTER WITH HEPATIC CIRRHOSIS; Alpers-Huttenlocher Syndrome. Identifiers: Orphanet 726, MedGen C0205710, MONDO:0008758, OMIM 203700.

gnomAD v4.1: 5 of 1,614,038 alleles (0.00031%); highest among the groups gnomAD compares: Non-Finnish European, 0.00042%; no homozygotes.

Submissions (2):

Labcorp Genetics (formerly Invitae), Labcorp
Classification: Uncertain significance for Progressive sclerosing poliodystrophy. Last evaluated: 2025-10-19. Review status: criteria provided, single submitter. Criteria: Invitae Variant Classification Sherloc (09022015). Collection method: clinical testing. Allele origin: germline.
Comment: This sequence change replaces aspartic acid, which is acidic and polar, with asparagine, which is neutral and polar, at codon 1068 of the POLG protein (p.Asp1068Asn). This variant is present in population databases (rs762334425, gnomAD 0.0009%). This variant has not been reported in the literature in individuals affected with POLG-related conditions. ClinVar contains an entry for this variant (Variation ID: 3308458). Invitae Evidence Modeling of protein sequence and biophysical properties (such as structural, functional, and spatial information, amino acid conservation, physicochemical variation, residue mobility, and thermodynamic stability) has been performed for this missense variant. However, the output from this modeling did not meet the statistical confidence thresholds required to predict the impact of this variant on POLG protein function. In summary, the available evidence is currently insufficient to determine the role of this variant in disease. Therefore, it has been classified as a Variant of Uncertain Significance.

Ambry Genetics
Classification: Uncertain significance for Inborn genetic diseases. Last evaluated: 2024-03-27. Review status: criteria provided, single submitter. Criteria: Ambry Variant Classification Scheme 2023. Collection method: clinical testing. Allele origin: germline.